The following is an entry in ClinVar:

NM_001364171.2(ODAD1):c.529C>T (p.Arg177Trp)

Gene: ODAD1 (outer dynein arm docking complex subunit 1; minus strand). Cytogenetic location: 19q13.33.
Variant type: single nucleotide variant.
Coding change: c.529C>T on transcript NM_001364171.2 (MANE Select); coding-DNA position 529, C replaced by T.
Protein change: p.Arg177Trp; replaces arginine 177 with tryptophan.
Molecular consequence: missense variant.
Genome position (GRCh38, 1-based): chr19:48,311,621, G>A on the plus strand (C>T on the coding strand, the complement: ODAD1 is on the minus strand). VCF-style: chr19-48311621-G-A. GRCh37 (hg19) VCF-style: chr19-48814878-G-A.
Other names: c.418C>T, p.Arg140Trp (NM_144577.4); short protein forms R177W, R140W.
Identifiers: ClinVar variation 2597076 (VCV002597076.4), dbSNP rs574119110, ClinGen allele CA9549032.
Genomic context (GRCh38, chr19:48,311,621, plus strand): 5'-GCTTGCGGTCCACGTTCAGATAGCGGTTCCTGTCGATCCGCAGCAGATCCAGCTCCTCCC[G>A]CAGGGCCGCATTCCGTACCAGCTGGTTGTCAAAGTGACAGGTGACCTGGGAGTAGAAAGG-3'
Protein context (NP_001351100.1, residues 167-187): DNQLVRNAAL[Arg177Trp]EELDLLRIDR

ClinVar aggregate classification (germline): Uncertain significance. Review status: criteria provided, multiple submitters, no conflicts (2 of 4 stars). 3 submissions from 3 submitters: Uncertain significance (3). Last evaluated 2025-12-03.

Conditions:
Primary ciliary dyskinesia. Also called: Ciliary dyskinesia. Identifiers: Orphanet 244, MedGen C0008780, MONDO:0016575, HP:0012265.

Allele frequency attached by ClinVar (database versions not stated): ExAC 0.00005; 1000 Genomes Project 0.00020; 1000 Genomes Project 30x 0.00031.
gnomAD v4.1: 46 of 1,551,102 alleles (0.003%); highest among the groups gnomAD compares: East Asian, 0.012%; no homozygotes.

Submissions (3):

Labcorp Genetics (formerly Invitae), Labcorp
Classification: Uncertain significance for Primary ciliary dyskinesia. Last evaluated: 2025-12-03. Review status: criteria provided, single submitter. Criteria: Invitae Variant Classification Sherloc (09022015). Collection method: clinical testing. Allele origin: germline.
Comment: This sequence change replaces arginine, which is basic and polar, with tryptophan, which is neutral and slightly polar, at codon 140 of the CCDC114 protein (p.Arg140Trp). This variant is present in population databases (rs574119110, gnomAD 0.02%). This variant has not been reported in the literature in individuals affected with CCDC114-related conditions. ClinVar contains an entry for this variant (Variation ID: 2597076). An algorithm developed to predict the effect of missense changes on protein structure and function (PolyPhen-2) suggests that this variant is likely to be disruptive. In summary, the available evidence is currently insufficient to determine the role of this variant in disease. Therefore, it has been classified as a Variant of Uncertain Significance.

Ambry Genetics
Classification: Uncertain significance for Primary ciliary dyskinesia. Last evaluated: 2023-09-14. Review status: criteria provided, single submitter. Criteria: Ambry Variant Classification Scheme 2023. Collection method: clinical testing. Allele origin: germline.

Blueprint Genetics
Classification: Uncertain significance. Last evaluated: 2023-08-17. Review status: criteria provided, single submitter. Criteria: ACMG Guidelines, 2015. Collection method: clinical testing. Allele origin: germline.